The following is an entry in ClinVar:

NM_001173990.3(TMEM216):c.*2G>C

Gene: TMEM216 (transmembrane protein 216; plus strand). Cytogenetic location: 11q12.2.
Variant type: single nucleotide variant.
Coding change: c.*2G>C on transcript NM_001173990.3 (MANE Select); 2 bases downstream of the stop codon, G replaced by C.
Molecular consequence: 3 prime UTR variant.
Genome position (GRCh38, 1-based): chr11:61,398,278, G>C. VCF-style: chr11-61398278-G-C. GRCh37 (hg19) VCF-style: chr11-61165750-G-C.
Other names: c.*2G>C (NM_001173991.2, NM_001173991.3, NM_001330285.2 and 1 more transcripts).
Identifiers: ClinVar variation 598107 (VCV000598107.6), dbSNP rs375734690, ClinGen allele CA6034787.

ClinVar aggregate classification (germline): Conflicting classifications of pathogenicity. Review status: criteria provided, conflicting classifications (1 of 4 stars). 2 submissions from 2 submitters: Uncertain significance (1); Likely benign (1). Last evaluated 2024-11-21.

Conditions:
TMEM216-related disorder. Also called: TMEM216-related condition; TMEM216-related disorders.

Allele frequency attached by ClinVar (database versions not stated): gnomAD 0.00007; TOPMed 0.00007; ESP Exome Variant Server 0.00016.
gnomAD v4.1: 15 of 1,611,742 alleles (0.00093%); highest among the groups gnomAD compares: African/African-American, 0.02%; no homozygotes.

Submissions (2):

PreventionGenetics, part of Exact Sciences
Classification: Likely benign for TMEM216-related condition. Last evaluated: 2024-11-21. Review status: criteria provided, single submitter. Criteria: ACMG Guidelines, 2015. Collection method: clinical testing. Allele origin: germline.
Comment: This variant is classified as likely benign based on ACMG/AMP sequence variant interpretation guidelines (Richards et al. 2015 PMID: 25741868, with internal and published modifications).

Eurofins Ntd Llc (ga)
Classification: Uncertain significance. Last evaluated: 2018-07-20. Review status: criteria provided, single submitter. Criteria: EGL ClinVar v180209 classification definitions. Collection method: clinical testing. Allele origin: germline. Observed: 1 variant allele, 1 heterozygote.